The following is an entry in ClinVar:

NM_001378454.1(ALMS1):c.5224C>G (p.Pro1742Ala)

Gene: ALMS1 (ALMS1 centrosome and basal body associated protein; plus strand). Cytogenetic location: 2p13.1.
Variant type: single nucleotide variant.
Coding change: c.5224C>G on transcript NM_001378454.1 (MANE Select); coding-DNA position 5224, C replaced by G.
Protein change: p.Pro1742Ala; replaces proline 1742 with alanine.
Molecular consequence: missense variant.
Genome position (GRCh38, 1-based): chr2:73,451,751, C>G. VCF-style: chr2-73451751-C-G. GRCh37 (hg19) VCF-style: chr2-73678878-C-G.
Other names: c.5227C>G, p.Pro1743Ala (NM_015120.4); short protein forms P1742A, P1743A.
Identifiers: ClinVar variation 1979685 (VCV001979685.1), dbSNP rs974257850, ClinGen allele CA50396470.
Genomic context (GRCh38, chr2:73,451,751, plus strand): 5'-TACCAACAGGCCCTGCCAGACAGTGAGCTAACTCAAGAAGCTCTGAAAGTTTCAGCTGTT[C>G]CTCAACCAGCTGACCAGAAGACTGGGTTATCTACTGTAACTTCCTCTTTCTATTCACATA-3'
Protein context (NP_001365383.1, residues 1732-1752): TQEALKVSAV[Pro1742Ala]QPADQKTGLS

ClinVar aggregate classification (germline): Uncertain significance (1 of 4 stars; one submission).

Conditions:
Alstrom syndrome (ALMS). Identifiers: Orphanet 64, MedGen C0268425, MONDO:0008763, OMIM 203800.

Allele frequency attached by ClinVar (database versions not stated): gnomAD exomes below 0.00001.
gnomAD v4.1: 1 of 1,614,066 alleles (0.000062%); highest among the groups gnomAD compares: Non-Finnish European, 0.000085%; no homozygotes.

Submission:

Labcorp Genetics (formerly Invitae), Labcorp
Classification: Uncertain significance for Alstrom syndrome. Last evaluated: 2022-01-21. Review status: criteria provided, single submitter. Criteria: Invitae Variant Classification Sherloc (09022015). Collection method: clinical testing. Allele origin: germline.
Comment: This sequence change replaces proline, which is neutral and non-polar, with alanine, which is neutral and non-polar, at codon 1743 of the ALMS1 protein (p.Pro1743Ala). This variant is not present in population databases (gnomAD no frequency). This variant has not been reported in the literature in individuals affected with ALMS1-related conditions. Experimental studies and prediction algorithms are not available or were not evaluated, and the functional significance of this variant is currently unknown. In summary, the available evidence is currently insufficient to determine the role of this variant in disease. Therefore, it has been classified as a Variant of Uncertain Significance.